The following is an entry in ClinVar:

ClinVar aggregate classification (germline): Pathogenic (1 of 4 stars; one submission).

Submission:

Labcorp Genetics (formerly Invitae), Labcorp
Classification: Pathogenic. Last evaluated: 2025-07-16. Review status: criteria provided, single submitter. Criteria: Invitae Variant Classification Sherloc (09022015). Collection method: clinical testing. Allele origin: germline.
Comment: This sequence change creates a premature translational stop signal (p.Arg53*) in the GPX4 gene. It is expected to result in an absent or disrupted protein product. Loss-of-function variants in GPX4 are known to be pathogenic (PMID: 24706940). This variant is not present in population databases (gnomAD no frequency). This variant has not been reported in the literature in individuals affected with GPX4-related conditions. For these reasons, this variant has been classified as Pathogenic.

Literature cited by the submitters: PubMed 24706940.

NM_002085.5(GPX4):c.85-295C>T

Gene: GPX4 (glutathione peroxidase 4; plus strand). Cytogenetic location: 19p13.3.
Variant type: single nucleotide variant.
Coding change: c.85-295C>T on transcript NM_002085.5 (MANE Select); 295 bases into the intron before coding-DNA position 85, C replaced by T.
Molecular consequence: intron variant. On other transcripts: nonsense (1).
Genome position (GRCh38, 1-based): chr19:1,104,891, C>T. VCF-style: chr19-1104891-C-T. GRCh37 (hg19) VCF-style: chr19-1104890-C-T.
Other names: c.157C>T, p.Arg53Ter (NM_001039848.4); c.85-295C>T (NM_001039847.3); c.4-295C>T (NM_001367832.1); short protein forms R53*.
Identifiers: ClinVar variation 4723361 (VCV004723361.1).